The following is an entry in ClinVar:

NM_001330700.2(TOP2B):c.2602A>G (p.Met868Val)

Gene: TOP2B (DNA topoisomerase II beta; minus strand). Cytogenetic location: 3p24.2.
Variant type: single nucleotide variant.
Coding change: c.2602A>G on transcript NM_001330700.2 (MANE Select); coding-DNA position 2602, A replaced by G.
Protein change: p.Met868Val; replaces methionine 868 with valine.
Molecular consequence: missense variant.
Genome position (GRCh38, 1-based): chr3:25,623,640, T>C on the plus strand (A>G on the coding strand, the complement: TOP2B is on the minus strand). VCF-style: chr3-25623640-T-C. GRCh37 (hg19) VCF-style: chr3-25665131-T-C.
Other names: c.2587A>G (NM_001068.2); c.2587A>G, p.Met863Val (NM_001068.3); short protein forms M863V, M868V.
Identifiers: ClinVar variation 2976583 (VCV002976583.4), dbSNP rs1408833933, ClinGen allele CA351900612.

ClinVar aggregate classification (germline): Uncertain significance. Review status: criteria provided, multiple submitters, no conflicts (2 of 4 stars). 2 submissions from 2 submitters: Uncertain significance (2). Last evaluated 2025-12-23.

Allele frequency attached by ClinVar (database versions not stated): gnomAD exomes 0.00001; TOPMed below 0.00001; gnomAD 0.00001.
gnomAD v4.1: 18 of 1,613,678 alleles (0.0011%); highest among the groups gnomAD compares: East Asian, 0.0045%; no homozygotes.

Submissions (2):

Labcorp Genetics (formerly Invitae), Labcorp
Classification: Uncertain significance. Last evaluated: 2025-12-23. Review status: criteria provided, single submitter. Criteria: Invitae Variant Classification Sherloc (09022015). Collection method: clinical testing. Allele origin: germline.
Comment: This sequence change replaces methionine, which is neutral and non-polar, with valine, which is neutral and non-polar, at codon 863 of the TOP2B protein (p.Met863Val). This variant is not present in population databases (gnomAD no frequency). This variant has not been reported in the literature in individuals affected with TOP2B-related conditions. ClinVar contains an entry for this variant (Variation ID: 2976583). An algorithm developed to predict the effect of missense changes on protein structure and function (PolyPhen-2) suggests that this variant is likely to be tolerated. In summary, the available evidence is currently insufficient to determine the role of this variant in disease. Therefore, it has been classified as a Variant of Uncertain Significance.

Ambry Genetics
Classification: Uncertain significance. Last evaluated: 2025-03-17. Review status: criteria provided, single submitter. Criteria: Ambry Variant Classification Scheme 2023. Collection method: clinical testing. Allele origin: germline.